The following is an entry in ClinVar:

ClinVar aggregate classification (germline): Uncertain significance. Review status: criteria provided, multiple submitters, no conflicts (2 of 4 stars). 2 submissions from 2 submitters: Uncertain significance (2). Last evaluated 2024-06-05.

Conditions:
Inborn genetic diseases. Identifiers: MedGen C0950123, MeSH D030342.
Aortic valve disease 2 (AOVD2). Identifiers: MedGen C3542024, MONDO:0013902, OMIM 614823.

Allele frequency attached by ClinVar (database versions not stated): gnomAD exomes below 0.00001; gnomAD 0.00001 and 0.00002; TOPMed 0.00001.
gnomAD v4.1: 4 of 1,222,826 alleles (0.00033%); highest among the groups gnomAD compares: Admixed American, 0.0044%; no homozygotes.

Submissions (2):

Ambry Genetics
Classification: Uncertain significance for Inborn genetic diseases. Last evaluated: 2024-06-05. Review status: criteria provided, single submitter. Criteria: Ambry Variant Classification Scheme 2023. Collection method: clinical testing. Allele origin: germline.

Labcorp Genetics (formerly Invitae), Labcorp
Classification: Uncertain significance for Aortic valve disease 2. Last evaluated: 2021-10-27. Review status: criteria provided, single submitter. Criteria: Invitae Variant Classification Sherloc (09022015). Collection method: clinical testing. Allele origin: germline.
Comment: In summary, the available evidence is currently insufficient to determine the role of this variant in disease. Therefore, it has been classified as a Variant of Uncertain Significance. Algorithms developed to predict the effect of sequence changes on RNA splicing suggest that this variant may create or strengthen a splice site. Algorithms developed to predict the effect of missense changes on protein structure and function (SIFT, PolyPhen-2, Align-GVGD) all suggest that this variant is likely to be tolerated. ClinVar contains an entry for this variant (Variation ID: 962614). This variant has not been reported in the literature in individuals affected with SMAD6-related conditions. This variant is present in population databases (no rsID available, gnomAD 0.01%). This sequence change replaces alanine, a(n) neutral and non-polar amino acid, with valine, a(n) neutral and non-polar amino acid, at codon 86 of the SMAD6 protein (p.Ala86Val).

NM_005585.5(SMAD6):c.257C>T (p.Ala86Val)

Gene: SMAD6 (SMAD family member 6; plus strand). Cytogenetic location: 15q22.31.
Variant type: single nucleotide variant.
Coding change: c.257C>T on transcript NM_005585.5 (MANE Select); coding-DNA position 257, C replaced by T.
Protein change: p.Ala86Val; replaces alanine 86 with valine.
Molecular consequence: missense variant. On other transcripts: non-coding transcript variant (1).
Genome position (GRCh38, 1-based): chr15:66,703,515, C>T. VCF-style: chr15-66703515-C-T. GRCh37 (hg19) VCF-style: chr15-66995853-C-T.
Other names: short protein forms A86V.
Identifiers: ClinVar variation 962614 (VCV000962614.8), dbSNP rs1235267213, ClinGen allele CA392949076.